The following is an entry in ClinVar:

NM_000219.6(KCNE1):c.299T>A (p.Leu100Gln)

Gene: KCNE1 (potassium voltage-gated channel subfamily E regulatory subunit 1; minus strand). Cytogenetic location: 21q22.12.
Variant type: single nucleotide variant.
Coding change: c.299T>A on transcript NM_000219.6 (MANE Select); coding-DNA position 299, T replaced by A.
Protein change: p.Leu100Gln; replaces leucine 100 with glutamine.
Molecular consequence: missense variant.
Genome position (GRCh38, 1-based): chr21:34,449,336, A>T on the plus strand (T>A on the coding strand, the complement: KCNE1 is on the minus strand). VCF-style: chr21-34449336-A-T. GRCh37 (hg19) VCF-style: chr21-35821634-A-T.
Other names: c.299T>A, p.Leu100Gln (NM_001127668.4, NM_001127669.4, NM_001127670.4 and 4 more transcripts); short protein forms L100Q.
Identifiers: ClinVar variation 3374568 (VCV003374568.2).

Conditions:
Long QT syndrome 5 (LQT5). Identifiers: Orphanet 101016, Orphanet 768, MedGen C1867904, MONDO:0013372, OMIM 613695.

Submission:

Roden Lab, Vanderbilt University Medical Center
No classification provided (evidence only). Condition: Long QT syndrome 5. Review status: no classification provided. Collection method: in vitro. Allele origin: not applicable. Functional consequence: Effect on ion channel function.
ClinVar note: "not provided" was previously submitted as the classification for the variant. However, the classification appeared to be based only on an observation of functional data so it was converted to no classification on 2025-07-30.